The following is an entry in ClinVar:

ClinVar aggregate classification (germline): Uncertain significance (1 of 4 stars; one submission).

Submission:

Labcorp Genetics (formerly Invitae), Labcorp
Classification: Uncertain significance. Last evaluated: 2024-06-03. Review status: criteria provided, single submitter. Criteria: Invitae Variant Classification Sherloc (09022015). Collection method: clinical testing. Allele origin: germline.
Comment: This sequence change replaces arginine, which is basic and polar, with threonine, which is neutral and polar, at codon 67 of the DGAT1 protein (p.Arg67Thr). This variant also falls at the last nucleotide of exon 1, which is part of the consensus splice site for this exon. This variant is not present in population databases (gnomAD no frequency). This variant has not been reported in the literature in individuals affected with DGAT1-related conditions. ClinVar contains an entry for this variant (Variation ID: 1997253). An algorithm developed to predict the effect of missense changes on protein structure and function (PolyPhen-2) suggests that this variant is likely to be tolerated. Variants that disrupt the consensus splice site are a relatively common cause of aberrant splicing (PMID: 17576681, 9536098). Algorithms developed to predict the effect of sequence changes on RNA splicing suggest that this variant may disrupt the consensus splice site. In summary, the available evidence is currently insufficient to determine the role of this variant in disease. Therefore, it has been classified as a Variant of Uncertain Significance.

Literature cited by the submitters: PubMed 17576681; PubMed 9536098.

NM_012079.6(DGAT1):c.200G>C (p.Arg67Thr)

Gene: DGAT1 (diacylglycerol O-acyltransferase 1; minus strand). Cytogenetic location: 8q24.3.
Variant type: single nucleotide variant.
Coding change: c.200G>C on transcript NM_012079.6 (MANE Select); coding-DNA position 200, G replaced by C.
Protein change: p.Arg67Thr; replaces arginine 67 with threonine.
Molecular consequence: missense variant.
Genome position (GRCh38, 1-based): chr8:144,326,437, C>G on the plus strand (G>C on the coding strand, the complement: DGAT1 is on the minus strand). VCF-style: chr8-144326437-C-G. GRCh37 (hg19) VCF-style: chr8-145550100-C-G.
Other names: short protein forms R67T.
Identifiers: ClinVar variation 1997253 (VCV001997253.4), dbSNP rs2488972559, ClinGen allele CA372613180.
Genomic context (GRCh38, chr8:144,326,437, plus strand): 5'-CAACCCCGGAAAGTCGCGGGGCCCTTGGGTCAGAGGTTAGGGGGTCAGGCGCTCCGCTAC[C>G]TCAGCTCCCAGTGGCCGCTGCCCACGCCGGCGTCTCCGTCCTTGTTGGGGGCCGGGGCTG-3'
Protein context (NP_036211.2, residues 57-77): AGVGSGHWEL[Arg67Thr]CHRLQDSLFS